The following is an entry in ClinVar:

ClinVar aggregate classification (germline): Pathogenic/Likely pathogenic. Review status: criteria provided, multiple submitters, no conflicts (2 of 4 stars). 5 submissions from 5 submitters: Pathogenic (4); Likely pathogenic (1). Last evaluated 2025-08-11.

Conditions:
Endometrial carcinoma. Also called: Endometrial carcinoma, somatic. Identifiers: MedGen C0476089, MONDO:0002447, OMIM 608089, HP:0012114.
Hereditary cancer-predisposing syndrome. Also called: Tumor predisposition; Hereditary Cancer Syndrome; Hereditary neoplastic syndrome; Neoplastic Syndromes, Hereditary. Identifiers: Orphanet 140162, MedGen C0027672, MeSH D009386, MONDO:0015356.
Lynch syndrome 5 (LYNCH5). Also called: Hereditary non-polyposis colorectal cancer, type 5; Colorectal cancer, hereditary nonpolyposis, type 5. Identifiers: Orphanet 144, MedGen C1833477, MONDO:0013710, OMIM 614350. Disease mechanism: loss of function.
Hereditary nonpolyposis colorectal neoplasms. Identifiers: MedGen C0009405, MeSH D003123.

Submissions (5):

Labcorp Genetics (formerly Invitae), Labcorp
Classification: Pathogenic for Hereditary nonpolyposis colorectal neoplasms. Last evaluated: 2025-08-11. Review status: criteria provided, single submitter. Criteria: Invitae Variant Classification Sherloc (09022015). Collection method: clinical testing. Allele origin: germline.
Comment: This sequence change creates a premature translational stop signal (p.Leu671*) in the MSH6 gene. It is expected to result in an absent or disrupted protein product. Loss-of-function variants in MSH6 are known to be pathogenic (PMID: 18269114, 24362816). This variant is not present in population databases (gnomAD no frequency). This variant has not been reported in the literature in individuals affected with MSH6-related conditions. ClinVar contains an entry for this variant (Variation ID: 410470). For these reasons, this variant has been classified as Pathogenic.

Color Diagnostics, LLC DBA Color Health
Classification: Pathogenic for Hereditary cancer-predisposing syndrome. Last evaluated: 2025-07-09. Review status: criteria provided, single submitter. Criteria: ACMG Guidelines, 2015. Collection method: clinical testing. Allele origin: germline.
Comment: This variant deletes 1 nucleotide in exon 4 of the MSH6 gene, creating a frameshift and premature translation stop signal. This variant is expected to result in an absent or non-functional protein product. To our knowledge, this variant has not been reported in individuals affected with MSH6-related disorders in the literature. This variant has not been identified in the general population by the Genome Aggregation Database (gnomAD). Loss of MSH6 function is a known mechanism of disease. Based on the available evidence, this variant is classified as Pathogenic.

Baylor Genetics
Classification: Likely pathogenic for Endometrial carcinoma. Last evaluated: 2023-12-29. Review status: criteria provided, single submitter. Criteria: ACMG Guidelines, 2015. Collection method: clinical testing. Allele origin: unknown.

Myriad Genetics, Inc.
Classification: Pathogenic for Lynch syndrome 5. Last evaluated: 2023-08-16. Review status: criteria provided, single submitter. Criteria: Myriad Autosomal Dominant, Autosomal Recessive and X-Linked Classification Criteria (2023). Collection method: clinical testing. Allele origin: unknown.
Comment: This variant is considered pathogenic. This variant creates a termination codon and is predicted to result in premature protein truncation.

Ambry Genetics
Classification: Pathogenic for Hereditary cancer-predisposing syndrome. Last evaluated: 2023-03-24. Review status: criteria provided, single submitter. Criteria: Ambry Variant Classification Scheme 2023. Collection method: clinical testing. Allele origin: germline.
Comment: The c.2010delG pathogenic mutation, located in coding exon 4 of the MSH6 gene, results from a deletion of one nucleotide at nucleotide position 2010, causing a translational frameshift with a predicted alternate stop codon (p.L671*). This variant is considered to be rare based on population cohorts in the Genome Aggregation Database (gnomAD). This alteration is expected to result in loss of function by premature protein truncation or nonsense-mediated mRNA decay. As such, this alteration is interpreted as a disease-causing mutation.

Literature cited by the submitters: PubMed 18269114 (cited by Labcorp Genetics (formerly Invitae), Labcorp); PubMed 24362816 (cited by Labcorp Genetics (formerly Invitae), Labcorp).

NM_000179.3(MSH6):c.2010del (p.Gly670_Leu671insTer)

Gene: MSH6 (mutS homolog 6; plus strand). Cytogenetic location: 2p16.3.
Variant type: Deletion.
Coding change: c.2010del on transcript NM_000179.3 (MANE Select); coding-DNA position 2010, one base deleted (G; older notation c.2010delG).
Protein change: p.Gly670_Leu671insTer.
Molecular consequence: frameshift variant.
Genome position (GRCh38, 1-based): chr2:47,799,993, G deleted; the last of 3 consecutive G bases (chr2:47,799,991-47,799,993); deleting any one gives the same sequence. VCF-style (leftmost placement, unchanged base first): chr2-47799990-TG-T. GRCh37 (hg19) VCF-style: chr2-48027129-TG-T.
Other names: c.1620del, p.Gly540_Leu541insTer (NM_001281492.2); c.1104del, p.Gly368_Leu369insTer (NM_001281493.2, NM_001281494.2); c.2010delG (NM_000179.2).
Identifiers: ClinVar variation 410470 (VCV000410470.15), dbSNP rs1060502918, ClinGen allele CA16610913.